The following is an entry in ClinVar:

NM_133433.4(NIPBL):c.3463G>A (p.Asp1155Asn)

Gene: NIPBL (NIPBL cohesin loading factor; plus strand). Cytogenetic location: 5p13.2.
Variant type: single nucleotide variant.
Coding change: c.3463G>A on transcript NM_133433.4 (MANE Select); coding-DNA position 3463, G replaced by A.
Protein change: p.Asp1155Asn; replaces aspartic acid 1155 with asparagine.
Molecular consequence: missense variant.
Genome position (GRCh38, 1-based): chr5:37,000,531, G>A. VCF-style: chr5-37000531-G-A. GRCh37 (hg19) VCF-style: chr5-37000633-G-A.
Other names: c.3463G>A, p.Asp1155Asn (NM_015384.5); short protein forms D1155N.
Identifiers: ClinVar variation 3772227 (VCV003772227.13).
Genomic context (GRCh38, chr5:37,000,531, plus strand): 5'-CATGAAGGAAGAAGGAGTTCAGGTGGTGGTCGTTATCGAAACCGAAGTCCGTCAGATTCT[G>A]ACATGGAAGATTATTCTCCTCCTCCCAGCCTTAGTGAGGGTAATTCATCAGTGTCAACGG-3'
Protein context (NP_597677.2, residues 1145-1165): RYRNRSPSDS[Asp1155Asn]MEDYSPPPSL

ClinVar aggregate classification (germline): Uncertain significance (1 of 4 stars; one submission).

Submission:

CeGaT Center for Human Genetics Tuebingen
Classification: Uncertain significance. Last evaluated: 2025-01-01. Review status: criteria provided, single submitter. Criteria: CeGaT Center For Human Genetics Tuebingen Variant Classification Criteria Version 2. Collection method: clinical testing. Allele origin: germline. Affected: yes. Observed: 1 variant allele.
Comment: NIPBL: PM2, PP3